The following is an entry in ClinVar:

NM_206933.4(USH2A):c.11733G>T (p.Glu3911Asp)

Gene: USH2A (usherin; minus strand). Cytogenetic location: 1q41.
Variant type: single nucleotide variant.
Coding change: c.11733G>T on transcript NM_206933.4 (MANE Select); coding-DNA position 11733, G replaced by T.
Protein change: p.Glu3911Asp; replaces glutamic acid 3911 with aspartic acid.
Molecular consequence: missense variant.
Genome position (GRCh38, 1-based): chr1:215,728,363, C>A on the plus strand (G>T on the coding strand, the complement: USH2A is on the minus strand). VCF-style: chr1-215728363-C-A. GRCh37 (hg19) VCF-style: chr1-215901705-C-A.
Other names: short protein forms E3911D.
Identifiers: ClinVar variation 2505676 (VCV002505676.2), dbSNP rs761590735, ClinGen allele CA1393625.

ClinVar aggregate classification (germline): Uncertain significance (1 of 4 stars; one submission).

Allele frequency attached by ClinVar (database versions not stated): gnomAD exomes below 0.00001; ExAC 0.00001; TOPMed 0.00002; gnomAD 0.00004.
gnomAD v4.1: 7 of 1,614,038 alleles (0.00043%); highest among the groups gnomAD compares: African/African-American, 0.0093%; no homozygotes.

Submission:

GeneDx
Classification: Uncertain significance. Last evaluated: 2024-09-11. Review status: criteria provided, single submitter. Criteria: GeneDx Variant Classification Process June 2021. Collection method: clinical testing. Allele origin: germline. Affected: yes.
Comment: In silico analysis supports that this missense variant does not alter protein structure/function; Has not been previously published as pathogenic or benign to our knowledge